The following is an entry in ClinVar:

ClinVar aggregate classification (germline): Likely pathogenic (1 of 4 stars; one submission).

Conditions:
Familial cancer of breast. Also called: hereditary breast carcinoma; BREAST CANCER, FAMILIAL; Hereditary breast cancer. Identifiers: Orphanet 227535, MedGen C0346153, MONDO:0016419, OMIM 114480. Disease mechanism: loss of function.
Ataxia-telangiectasia syndrome (AT). Also called: Cerebello-oculocutaneous telangiectasia; Immunodeficiency with ataxia telangiectasia; AT, COMPLEMENTATION GROUP C; LOUIS-BAR SYNDROME; Ataxia-telangiectasia, complementation group E; Ataxia telangiectasia (A-T). Identifiers: Orphanet 100, MedGen C0004135, MONDO:0008840, OMIM 208900.

Submission:

Dr. med. U. Finckh, Human Genetics, Eurofins MVZ
Classification: Likely pathogenic for Familial cancer of breast; Ataxia-telangiectasia syndrome. Last evaluated: 2023-01-01. Review status: criteria provided, single submitter. Criteria: ACMG Guidelines, 2015. Collection method: clinical testing. Allele origin: inherited. Affected: yes.

NM_000051.4(ATM):c.1617dup (p.Cys540fs)

Gene: ATM (ATM serine/threonine kinase; plus strand). Cytogenetic location: 11q22.3.
Variant type: Duplication.
Coding change: c.1617dup on transcript NM_000051.4 (MANE Select); coding-DNA position 1617, one base duplicated (A; older notation c.1617dupA).
Protein change: p.Cys540fs; shifts the reading frame from cysteine 540.
Molecular consequence: frameshift variant.
Genome position (GRCh38, 1-based): chr11:108,251,846, A duplicated. VCF-style (leftmost placement, unchanged base first): chr11-108251845-T-TA. GRCh37 (hg19) VCF-style: chr11-108122572-T-TA.
Other names: c.1617dup, p.Cys540fs (NM_001351834.2); short protein forms C540fs.
Identifiers: ClinVar variation 2505532 (VCV002505532.1), dbSNP rs2497266653, ClinGen allele CA2580616452.